The following is an entry in ClinVar:

NM_032119.4(ADGRV1):c.8455A>G (p.Ser2819Gly)

Gene: ADGRV1 (adhesion G protein-coupled receptor V1; plus strand). Cytogenetic location: 5q14.3.
Variant type: single nucleotide variant.
Coding change: c.8455A>G on transcript NM_032119.4 (MANE Select); coding-DNA position 8455, A replaced by G.
Protein change: p.Ser2819Gly; replaces serine 2819 with glycine.
Molecular consequence: missense variant. On other transcripts: non-coding transcript variant (1).
Genome position (GRCh38, 1-based): chr5:90,705,468, A>G. VCF-style: chr5-90705468-A-G. GRCh37 (hg19) VCF-style: chr5-90001285-A-G.
Other names: short protein forms S2819G.
Identifiers: ClinVar variation 197017 (VCV000197017.10), dbSNP rs794727600, ClinGen allele CA244905.

ClinVar aggregate classification (germline): Uncertain significance. Review status: criteria provided, multiple submitters, no conflicts (2 of 4 stars). 3 submissions from 3 submitters: Uncertain significance (3). Last evaluated 2023-07-13.

Allele frequency attached by ClinVar (database versions not stated): gnomAD exomes below 0.00001.
gnomAD v4.1: 1 of 1,613,942 alleles (0.000062%); highest among the groups gnomAD compares: Admixed American, 0.0017%; no homozygotes.

Submissions (3):

GeneDx
Classification: Uncertain significance. Last evaluated: 2023-07-13. Review status: criteria provided, single submitter. Criteria: GeneDx Variant Classification Process June 2021. Collection method: clinical testing. Allele origin: germline. Affected: yes.
Comment: Not observed at significant frequency in large population cohorts (gnomAD); In silico analysis supports that this missense variant has a deleterious effect on protein structure/function; Has not been previously published as pathogenic or benign to our knowledge

Labcorp Genetics (formerly Invitae), Labcorp
Classification: Uncertain significance. Last evaluated: 2022-02-22. Review status: criteria provided, single submitter. Criteria: Invitae Variant Classification Sherloc (09022015). Collection method: clinical testing. Allele origin: germline.
Comment: This sequence change replaces serine, which is neutral and polar, with glycine, which is neutral and non-polar, at codon 2819 of the ADGRV1 protein (p.Ser2819Gly). This variant is present in population databases (rs794727600, gnomAD 0.003%). This variant has not been reported in the literature in individuals affected with ADGRV1-related conditions. ClinVar contains an entry for this variant (Variation ID: 197017). Algorithms developed to predict the effect of missense changes on protein structure and function are either unavailable or do not agree on the potential impact of this missense change (SIFT: "Deleterious"; PolyPhen-2: "Probably Damaging"; Align-GVGD: "Class C0"). In summary, the available evidence is currently insufficient to determine the role of this variant in disease. Therefore, it has been classified as a Variant of Uncertain Significance.

Eurofins Ntd Llc (ga)
Classification: Uncertain significance. Last evaluated: 2015-01-27. Review status: criteria provided, single submitter. Criteria: EGL Classification Definitions 2015. Collection method: clinical testing. Allele origin: germline. Observed: 1 variant allele, 1 heterozygote.